The following is an entry in ClinVar:

ClinVar aggregate classification (germline): Uncertain significance (1 of 4 stars; one submission).

Submission:

GeneDx
Classification: Uncertain significance. Last evaluated: 2023-08-01. Review status: criteria provided, single submitter. Criteria: GeneDx Variant Classification Process June 2021. Collection method: clinical testing. Allele origin: germline. Affected: yes.
Comment: Not observed at significant frequency in large population cohorts (gnomAD); In silico analysis supports that this missense variant does not alter protein structure/function; Has not been previously published as pathogenic or benign to our knowledge

NM_001042681.2(RERE):c.2924T>A (p.Leu975Gln)

Gene: RERE (arginine-glutamic acid dipeptide repeats; minus strand). Cytogenetic location: 1p36.23.
Variant type: single nucleotide variant.
Coding change: c.2924T>A on transcript NM_001042681.2 (MANE Select); coding-DNA position 2924, T replaced by A.
Protein change: p.Leu975Gln; replaces leucine 975 with glutamine.
Molecular consequence: missense variant.
Genome position (GRCh38, 1-based): chr1:8,360,583, A>T on the plus strand (T>A on the coding strand, the complement: RERE is on the minus strand). VCF-style: chr1-8360583-A-T. GRCh37 (hg19) VCF-style: chr1-8420643-A-T.
Other names: c.1262T>A, p.Leu421Gln (NM_001042682.2); c.2924T>A, p.Leu975Gln (NM_012102.4); short protein forms L421Q, L975Q.
Identifiers: ClinVar variation 3361786 (VCV003361786.1).